The following is an entry in ClinVar:

ClinVar aggregate classification (germline): Likely benign (0 of 4 stars; one submission).

Conditions:
ARID1A-related disorder. Also called: ARID1A-related condition.

gnomAD v4.1: 25 of 1,613,750 alleles (0.0015%); highest among the groups gnomAD compares: Non-Finnish European, 0.0021%; no homozygotes.

Submission:

PreventionGenetics, part of Exact Sciences
Classification: Likely benign for ARID1A-related condition. Last evaluated: 2024-04-30. Review status: no assertion criteria provided. Collection method: clinical testing. Allele origin: germline.
Comment: This variant is classified as likely benign based on ACMG/AMP sequence variant interpretation guidelines (Richards et al. 2015 PMID: 25741868, with internal and published modifications).

NM_006015.6(ARID1A):c.6711G>C (p.Ala2237=)

Gene: ARID1A (AT-rich interaction domain 1A; plus strand). Cytogenetic location: 1p36.11.
Variant type: single nucleotide variant.
Coding change: c.6711G>C on transcript NM_006015.6 (MANE Select); coding-DNA position 6711, G replaced by C.
Protein change: p.Ala2237=; no amino-acid change (alanine 2237 retained).
Molecular consequence: synonymous variant.
Genome position (GRCh38, 1-based): chr1:26,780,609, G>C. VCF-style: chr1-26780609-G-C. GRCh37 (hg19) VCF-style: chr1-27107100-G-C.
Other names: c.6060G>C, p.Ala2020= (NM_139135.4).
Identifiers: ClinVar variation 3350147 (VCV003350147.1).